The following is an entry in ClinVar:

ClinVar aggregate classification (germline): Uncertain significance. Review status: criteria provided, multiple submitters, no conflicts (2 of 4 stars). 2 submissions from 2 submitters: Uncertain significance (2). Last evaluated 2025-01-10.

Conditions:
Inborn genetic diseases. Identifiers: MedGen C0950123, MeSH D030342.

gnomAD v4.1: 8 of 1,614,114 alleles (0.0005%); highest among the groups gnomAD compares: South Asian, 0.0044%; no homozygotes.

Submissions (2):

Ambry Genetics
Classification: Uncertain significance for Inborn genetic diseases. Last evaluated: 2025-01-10. Review status: criteria provided, single submitter. Criteria: Ambry Variant Classification Scheme 2023. Collection method: clinical testing. Allele origin: germline.

GeneDx
Classification: Uncertain significance. Last evaluated: 2023-08-08. Review status: criteria provided, single submitter. Criteria: GeneDx Variant Classification Process June 2021. Collection method: clinical testing. Allele origin: germline. Affected: yes.
Comment: Not observed at significant frequency in large population cohorts (gnomAD); In silico analysis supports that this missense variant has a deleterious effect on protein structure/function; Has not been previously published as pathogenic or benign to our knowledge; This variant is associated with the following publications: (PMID: 18184292)

NM_000702.4(ATP1A2):c.1327C>T (p.Arg443Trp)

Gene: ATP1A2 (ATPase Na+/K+ transporting subunit alpha 2; plus strand). Cytogenetic location: 1q23.2.
Variant type: single nucleotide variant.
Coding change: c.1327C>T on transcript NM_000702.4 (MANE Select); coding-DNA position 1327, C replaced by T.
Protein change: p.Arg443Trp; replaces arginine 443 with tryptophan.
Molecular consequence: missense variant.
Genome position (GRCh38, 1-based): chr1:160,129,266, C>T. VCF-style: chr1-160129266-C-T. GRCh37 (hg19) VCF-style: chr1-160099056-C-T.
Other names: short protein forms R443W.
Identifiers: ClinVar variation 3361614 (VCV003361614.2).
Genomic context (GRCh38, chr1:160,129,266, plus strand): 5'-ACCTGATCCTCCACTCCCTTCCCTCCCATGCTGACACTGAATTCTTGTCTCTTCTGGCAG[C>T]GGGACACAGCTGGTGATGCCTCTGAGTCAGCTCTGCTCAAGTGCATTGAGCTCTCCTGTG-3'
Protein context (NP_000693.1, residues 433-453): AGQENISVSK[Arg443Trp]DTAGDASESA